The following is an entry in ClinVar:

ClinVar aggregate classification (germline): Uncertain significance (1 of 4 stars; one submission).

Conditions:
Autism spectrum disorder due to AUTS2 deficiency (MRD26). Also called: INTELLECTUAL DEVELOPMENTAL DISORDER, AUTOSOMAL DOMINANT 26. Identifiers: Orphanet 352490, MedGen C4014435, MONDO:0014361, OMIM 615834.

Submission:

Geisinger Autism and Developmental Medicine Institute, Geisinger Health System
Classification: Uncertain significance for Autism spectrum disorder due to AUTS2 deficiency. Last evaluated: 2017-03-30. Review status: criteria provided, single submitter. Criteria: ACMG CNV Guidelines, 2011. Collection method: provider interpretation. Allele origin: maternal.

Literature cited by the submitters: PubMed 21680558; PubMed 22872102.

Single allele

Gene: AUTS2 (activator of transcription and developmental regulator AUTS2; plus strand). Cytogenetic location: 7q11.22.
Variant type: Duplication.
Identifiers: ClinVar variation 560074 (VCV000560074.3).